The following is an entry in ClinVar:

NM_147686.4(TRAF3IP2):c.1564A>G (p.Thr522Ala)

Genes: TRAF3IP2 (TRAF3 interacting protein 2; minus strand), TRAF3IP2-AS1 (TRAF3IP2 antisense RNA 1; plus strand). Cytogenetic location: 6q21.
Variant type: single nucleotide variant.
Coding change: c.1564A>G on transcript NM_147686.4 (MANE Select); coding-DNA position 1564, A replaced by G.
Protein change: p.Thr522Ala; replaces threonine 522 with alanine.
Molecular consequence: missense variant.
Genome position (GRCh38, 1-based): chr6:111,559,539, T>C on the plus strand (A>G on the coding strand, the complement: TRAF3IP2 is on the minus strand). VCF-style: chr6-111559539-T-C. GRCh37 (hg19) VCF-style: chr6-111880742-T-C.
Other names: c.1561A>G, p.Thr521Ala (NM_001164281.3); c.196A>G, p.Thr66Ala (NM_001164283.3); c.1591A>G, p.Thr531Ala (NM_147200.3); short protein forms T66A, T531A, T521A, T522A.
Identifiers: ClinVar variation 1437178 (VCV001437178.8), dbSNP rs2128368098, ClinGen allele CA365367609.

ClinVar aggregate classification (germline): Uncertain significance (1 of 4 stars; one submission).

Conditions:
Candidiasis, familial, 8 (CANDF8). Identifiers: Orphanet 1334, MedGen C3714992, MONDO:0014230, OMIM 615527.

gnomAD v4.1: 1 of 1,614,108 alleles (0.000062%); highest among the groups gnomAD compares: Non-Finnish European, 0.000085%; no homozygotes.

Submission:

Labcorp Genetics (formerly Invitae), Labcorp
Classification: Uncertain significance for Candidiasis, familial, 8. Last evaluated: 2021-04-03. Review status: criteria provided, single submitter. Criteria: Invitae Variant Classification Sherloc (09022015). Collection method: clinical testing. Allele origin: germline.
Comment: This sequence change replaces threonine with alanine at codon 522 of the TRAF3IP2 protein (p.Thr522Ala). The threonine residue is moderately conserved and there is a small physicochemical difference between threonine and alanine. This variant is not present in population databases (ExAC no frequency). This variant has not been reported in the literature in individuals with TRAF3IP2-related conditions. In summary, the available evidence is currently insufficient to determine the role of this variant in disease. Therefore, it has been classified as a Variant of Uncertain Significance. Algorithms developed to predict the effect of missense changes on protein structure and function are either unavailable or do not agree on the potential impact of this missense change (SIFT: "Deleterious"; PolyPhen-2: "Probably Damaging"; Align-GVGD: "Class C0").